The following is an entry in ClinVar:

NM_001367624.2(ZNF469):c.8114G>T (p.Gly2705Val)

Gene: ZNF469 (zinc finger protein 469; plus strand). Cytogenetic location: 16q24.2.
Variant type: single nucleotide variant.
Coding change: c.8114G>T on transcript NM_001367624.2 (MANE Select); coding-DNA position 8114, G replaced by T.
Protein change: p.Gly2705Val; replaces glycine 2705 with valine.
Molecular consequence: missense variant.
Genome position (GRCh38, 1-based): chr16:88,435,584, G>T. VCF-style: chr16-88435584-G-T. GRCh37 (hg19) VCF-style: chr16-88501992-G-T.
Other names: NM_001127464.1:c.8030G>T; short protein forms G2705V.
Identifiers: ClinVar variation 1352221 (VCV001352221.7), dbSNP rs1021977490, ClinGen allele CA286383661.

ClinVar aggregate classification (germline): Uncertain significance. Review status: criteria provided, multiple submitters, no conflicts (2 of 4 stars). 3 submissions from 3 submitters: Uncertain significance (3). Last evaluated 2025-03-18.

Conditions:
Brittle cornea syndrome 1 (BCS1). Also called: CORNEAL FRAGILITY, KERATOGLOBUS, BLUE SCLERAE, JOINT HYPEREXTENSIBILITY; EDS6B; FRAGILITAS OCULI WITH JOINT HYPEREXTENSIBILITY; Corneal fragility keratoglobus, blue sclerae AND joint hypermobility; DYSGENESIS MESODERMALIS CORNEAE ET SCLERAE. Identifiers: Orphanet 90354, MedGen C0268344, MONDO:0024543, OMIM 229200.
Cardiovascular phenotype. Identifiers: MedGen CN230736.

Allele frequency attached by ClinVar (database versions not stated): gnomAD 0.00002.

Submissions (3):

Ambry Genetics
Classification: Uncertain significance for Cardiovascular phenotype. Last evaluated: 2025-03-18. Review status: criteria provided, single submitter. Criteria: Ambry Variant Classification Scheme 2023. Collection method: clinical testing. Allele origin: germline.
Comment: The p.G2677V variant (also known as c.8030G>T), located in coding exon 2 of the ZNF469 gene, results from a G to T substitution at nucleotide position 8030. The glycine at codon 2677 is replaced by valine, an amino acid with dissimilar properties. This amino acid position is conserved. In addition, this alteration is predicted to be tolerated by in silico analysis. Based on the available evidence, the clinical significance of this variant remains unclear.

Department of Pathology and Laboratory Medicine, Sinai Health System
Classification: Uncertain significance for Brittle cornea syndrome 1. Last evaluated: 2023-02-28. Review status: criteria provided, single submitter. Criteria: ACMG Guidelines, 2015. Collection method: research. Allele origin: germline.

Labcorp Genetics (formerly Invitae), Labcorp
Classification: Uncertain significance. Last evaluated: 2021-09-17. Review status: criteria provided, single submitter. Criteria: Invitae Variant Classification Sherloc (09022015). Collection method: clinical testing. Allele origin: germline.
Comment: This sequence change replaces glycine with valine at codon 2677 of the ZNF469 protein (p.Gly2677Val). The glycine residue is weakly conserved and there is a moderate physicochemical difference between glycine and valine. This variant is not present in population databases (ExAC no frequency). This variant has not been reported in the literature in individuals with ZNF469-related conditions. Algorithms developed to predict the effect of missense changes on protein structure and function (SIFT, PolyPhen-2, Align-GVGD) all suggest that this variant is likely to be tolerated, but these predictions have not been confirmed by published functional studies and their clinical significance is uncertain. In summary, the available evidence is currently insufficient to determine the role of this variant in disease. Therefore, it has been classified as a Variant of Uncertain Significance.